The following is an entry in ClinVar:

ClinVar aggregate classification (germline): Uncertain significance. Review status: criteria provided, multiple submitters, no conflicts (2 of 4 stars). 2 submissions from 2 submitters: Uncertain significance (2). Last evaluated 2025-08-13.

Conditions:
Inborn genetic diseases. Identifiers: MedGen C0950123, MeSH D030342.

gnomAD v4.1: 15 of 1,612,294 alleles (0.00093%); highest among the groups gnomAD compares: Non-Finnish European, 0.0012%; no homozygotes.

Submissions (2):

Ambry Genetics
Classification: Uncertain significance for Inborn genetic diseases. Last evaluated: 2025-08-13. Review status: criteria provided, single submitter. Criteria: Ambry Variant Classification Scheme 2023. Collection method: clinical testing. Allele origin: germline.

Labcorp Genetics (formerly Invitae), Labcorp
Classification: Uncertain significance. Last evaluated: 2024-12-18. Review status: criteria provided, single submitter. Criteria: Invitae Variant Classification Sherloc (09022015). Collection method: clinical testing. Allele origin: germline.
Comment: This sequence change replaces valine, which is neutral and non-polar, with isoleucine, which is neutral and non-polar, at codon 1613 of the CACNA1D protein (p.Val1613Ile). This variant is not present in population databases (gnomAD no frequency). This variant has not been reported in the literature in individuals affected with CACNA1D-related conditions. An algorithm developed to predict the effect of missense changes on protein structure and function (PolyPhen-2) suggests that this variant is likely to be disruptive. In summary, the available evidence is currently insufficient to determine the role of this variant in disease. Therefore, it has been classified as a Variant of Uncertain Significance.

NM_001128840.3(CACNA1D):c.4777G>A (p.Val1593Ile)

Gene: CACNA1D (calcium voltage-gated channel subunit alpha1 D; plus strand). Cytogenetic location: 3p21.1.
Variant type: single nucleotide variant.
Coding change: c.4777G>A on transcript NM_001128840.3 (MANE Select); coding-DNA position 4777, G replaced by A.
Protein change: p.Val1593Ile; replaces valine 1593 with isoleucine.
Molecular consequence: missense variant.
Genome position (GRCh38, 1-based): chr3:53,781,652, G>A. VCF-style: chr3-53781652-G-A. GRCh37 (hg19) VCF-style: chr3-53815679-G-A.
Other names: c.4837G>A, p.Val1613Ile (NM_000720.4); c.4732G>A, p.Val1578Ile (NM_001128839.3); c.4837G>A (NM_000720.2); short protein forms V1593I, V1613I, V1578I.
Identifiers: ClinVar variation 3713920 (VCV003713920.3).